The following is an entry in ClinVar:

ClinVar aggregate classification (germline): Uncertain significance (1 of 4 stars; one submission).

gnomAD v4.1: 13 of 1,613,266 alleles (0.00081%); highest among the groups gnomAD compares: South Asian, 0.012%; no homozygotes.

Submission:

GeneDx
Classification: Uncertain significance. Last evaluated: 2026-08-19. Review status: criteria provided, single submitter. Criteria: GeneDx Variant Classification Process June 2021. Collection method: clinical testing. Allele origin: germline.
Comment: In silico analysis suggests that this missense variant does not alter protein structure/function; Has not been previously published as pathogenic or benign to our knowledge

NM_133259.4(LRPPRC):c.3814G>A (p.Ala1272Thr)

Gene: LRPPRC (leucine rich pentatricopeptide repeat containing; minus strand). Cytogenetic location: 2p21.
Variant type: single nucleotide variant.
Coding change: c.3814G>A on transcript NM_133259.4 (MANE Select); coding-DNA position 3814, G replaced by A.
Protein change: p.Ala1272Thr; replaces alanine 1272 with threonine.
Molecular consequence: missense variant.
Genome position (GRCh38, 1-based): chr2:43,899,230, C>T on the plus strand (G>A on the coding strand, the complement: LRPPRC is on the minus strand). VCF-style: chr2-43899230-C-T. GRCh37 (hg19) VCF-style: chr2-44126369-C-T.
Other names: short protein forms A1272T.
Identifiers: ClinVar variation 3767782 (VCV003767782.2).